The following is an entry in ClinVar:

ClinVar aggregate classification (germline): Uncertain significance (1 of 4 stars; one submission).

Conditions:
Hereditary cancer-predisposing syndrome. Also called: Tumor predisposition; Hereditary Cancer Syndrome; Hereditary neoplastic syndrome; Neoplastic Syndromes, Hereditary. Identifiers: Orphanet 140162, MedGen C0027672, MeSH D009386, MONDO:0015356.

Submission:

Ambry Genetics
Classification: Uncertain significance for Hereditary cancer-predisposing syndrome. Last evaluated: 2023-10-23. Review status: criteria provided, single submitter. Criteria: Ambry Variant Classification Scheme 2023. Collection method: clinical testing. Allele origin: germline.
Comment: The p.Q2305H variant (also known as c.6915G>C), located in coding exon 46 of the ATM gene, results from a G to C substitution at nucleotide position 6915. The glutamine at codon 2305 is replaced by histidine, an amino acid with highly similar properties. This amino acid position is conserved. In addition, the in silico prediction for this alteration is inconclusive. Since supporting evidence is limited at this time, the clinical significance of this alteration remains unclear.

NM_000051.4(ATM):c.6915G>C (p.Gln2305His)

Genes: ATM (ATM serine/threonine kinase; plus strand), C11orf65 (chromosome 11 open reading frame 65; minus strand). Cytogenetic location: 11q22.3.
Variant type: single nucleotide variant.
Coding change: c.6915G>C on transcript NM_000051.4 (MANE Select); coding-DNA position 6915, G replaced by C.
Protein change: p.Gln2305His; replaces glutamine 2305 with histidine.
Molecular consequence: missense variant. On other transcripts: intron variant (2).
Genome position (GRCh38, 1-based): chr11:108,326,165, G>C. VCF-style: chr11-108326165-G-C. GRCh37 (hg19) VCF-style: chr11-108196892-G-C.
Other names: c.6915G>C, p.Gln2305His (NM_001351834.2); c.641-17094C>G (NM_001330368.2); c.*38+9055C>G (NM_001351110.2); short protein forms Q2305H.
Identifiers: ClinVar variation 3222656 (VCV003222656.1), dbSNP rs2136336830, ClinGen allele CA382557051.